The following is an entry in ClinVar:

ClinVar aggregate classification (germline): Uncertain significance (1 of 4 stars; one submission).

Submission:

ARUP Laboratories, Molecular Genetics and Genomics, ARUP Laboratories
Classification: Uncertain significance. Last evaluated: 2025-05-01. Review status: criteria provided, single submitter. Criteria: ARUP Molecular Germline Variant Investigation Process 2024. Collection method: clinical testing. Allele origin: germline.
Comment: The KRIT1 c.580G>T; p.Ala194Ser variant, to our knowledge, is not reported in the medical literature or gene specific databases. This variant is also absent from the Genome Aggregation Database (v2.1.1), indicating it is not a common polymorphism. Computational analyses are uncertain whether this variant is neutral or deleterious (REVEL: 0.436). Due to limited information, the clinical significance of this variant is uncertain at this time.

NM_194454.3(KRIT1):c.580G>T (p.Ala194Ser)

Gene: KRIT1 (KRIT1 ankyrin repeat containing; minus strand). Cytogenetic location: 7q21.2.
Variant type: single nucleotide variant.
Coding change: c.580G>T on transcript NM_194454.3 (MANE Select); coding-DNA position 580, G replaced by T.
Protein change: p.Ala194Ser; replaces alanine 194 with serine.
Molecular consequence: missense variant. On other transcripts: 5 prime UTR variant (1).
Genome position (GRCh38, 1-based): chr7:92,235,552, C>A on the plus strand (G>T on the coding strand, the complement: KRIT1 is on the minus strand). VCF-style: chr7-92235552-C-A. GRCh37 (hg19) VCF-style: chr7-91864866-C-A.
Other names: c.580G>T, p.Ala194Ser (NM_194456.1, NM_001013406.2, NM_001350669.1 and 29 more transcripts); c.-4G>T (NM_001350671.1); short protein forms A194S.
Identifiers: ClinVar variation 4685787 (VCV004685787.1).
Genomic context (GRCh38, chr7:92,235,552, plus strand): 5'-CTAGTGCACTATAGCCCATATGTAGTGAGTTTTCTGTCTGACCTGATTCAGTAGCATATG[C>A]AGGATTTATGACATTAGTTTTTATCCGCTCAAGAGGAGAAGGTCGGAATAAAGCTGGAAT-3'
Protein context (NP_919436.1, residues 184-204): ERIKTNVINP[Ala194Ser]YATESGQTEN